The following is an entry in ClinVar:

NM_032108.4(SEMA6B):c.2086C>T (p.Gln696Ter)

Gene: SEMA6B (semaphorin 6B; minus strand). Cytogenetic location: 19p13.3.
Variant type: single nucleotide variant.
Coding change: c.2086C>T on transcript NM_032108.4 (MANE Select); coding-DNA position 2086, C replaced by T.
Protein change: p.Gln696Ter; replaces glutamine 696 with a stop codon.
Molecular consequence: nonsense.
Genome position (GRCh38, 1-based): chr19:4,544,182, G>A on the plus strand (C>T on the coding strand, the complement: SEMA6B is on the minus strand). VCF-style: chr19-4544182-G-A. GRCh37 (hg19) VCF-style: chr19-4544194-G-A.
Other names: short protein forms Q696*.
Identifiers: ClinVar variation 2430274 (VCV002430274.1), dbSNP rs1418798663, ClinGen allele CA403461254.

ClinVar aggregate classification (germline): Likely pathogenic (1 of 4 stars; one submission).

Conditions:
Epilepsy, progressive myoclonic, 11. Identifiers: MedGen C5394362, MONDO:0030034, OMIM 618876.

gnomAD v4.1: 1 of 1,270,058 alleles (0.000079%); highest among the groups gnomAD compares: Non-Finnish European, 0.000099%; no homozygotes.

Submission:

Institute of Human Genetics, University of Leipzig Medical Center
Classification: Likely pathogenic for Epilepsy, progressive myoclonic, 11. Last evaluated: 2023-01-20. Review status: criteria provided, single submitter. Criteria: ACMG Guidelines, 2015. Collection method: clinical testing. Allele origin: unknown. Affected: yes.
Comment: _x000D_ Criteria applied: PVS1_STR, PM2_SUP, PP4